The following is an entry in ClinVar:

NM_000092.5(COL4A4):c.3148del (p.Gln1050fs)

Gene: COL4A4 (collagen type IV alpha 4 chain; minus strand). Cytogenetic location: 2q36.3.
Variant type: Deletion.
Coding change: c.3148del on transcript NM_000092.5 (MANE Select); coding-DNA position 3148, one base deleted (C; older notation c.3148delC).
Protein change: p.Gln1050fs; shifts the reading frame from glutamine 1050.
Molecular consequence: frameshift variant.
Genome position (GRCh38, 1-based): chr2:227,050,979, G deleted on the plus strand (C on the coding strand, the reverse complement: COL4A4 is on the minus strand); the first of 2 consecutive G bases (chr2:227,050,979-227,050,980); deleting either gives the same sequence. VCF-style (leftmost placement, unchanged base first): chr2-227050978-TG-T. GRCh37 (hg19) VCF-style: chr2-227915694-TG-T.
Other names: short protein forms Q1050fs.
Identifiers: ClinVar variation 3649019 (VCV003649019.2).
Genomic context (GRCh38, chr2:227,050,978, plus strand): 5'-ACATCCTAAGAACAGAAAGGTTTTATTGTCTCTTCCCCCACAAAGCAGTAGCCCCTTACC[TG>T]GTCACCTGGAAGTCCTGGAAAACCAATGAACCCTCTTAGACCAGTTGAGCCTGGAGGGCC-3'

ClinVar aggregate classification (germline): Pathogenic (1 of 4 stars; one submission).

Submission:

Labcorp Genetics (formerly Invitae), Labcorp
Classification: Pathogenic. Last evaluated: 2024-04-06. Review status: criteria provided, single submitter. Criteria: Invitae Variant Classification Sherloc (09022015). Collection method: clinical testing. Allele origin: germline.
Comment: This sequence change creates a premature translational stop signal (p.Gln1050Argfs*91) in the COL4A4 gene. It is expected to result in an absent or disrupted protein product. Loss-of-function variants in COL4A4 are known to be pathogenic (PMID: 21196518, 24854265, 25307543). This variant is not present in population databases (gnomAD no frequency). This variant has not been reported in the literature in individuals affected with COL4A4-related conditions. For these reasons, this variant has been classified as Pathogenic.

Literature cited by the submitters: PubMed 21196518; PubMed 24854265; PubMed 25307543.